The following is an entry in ClinVar:

NM_000426.4(LAMA2):c.7424C>T (p.Thr2475Met)

Gene: LAMA2 (laminin subunit alpha 2; plus strand). Cytogenetic location: 6q22.33.
Variant type: single nucleotide variant.
Coding change: c.7424C>T on transcript NM_000426.4 (MANE Select); coding-DNA position 7424, C replaced by T.
Protein change: p.Thr2475Met; replaces threonine 2475 with methionine.
Molecular consequence: missense variant.
Genome position (GRCh38, 1-based): chr6:129,473,337, C>T. VCF-style: chr6-129473337-C-T. GRCh37 (hg19) VCF-style: chr6-129794482-C-T.
Other names: p.Thr2475Met; c.7424C>T, p.Thr2475Met (NM_001079823.2); short protein forms T2475M.
Identifiers: ClinVar variation 543851 (VCV000543851.6), dbSNP rs761500524, ClinGen allele CA3994542.

ClinVar aggregate classification (germline): Uncertain significance. Review status: criteria provided, multiple submitters, no conflicts (2 of 4 stars). 3 submissions from 3 submitters: Uncertain significance (3). Last evaluated 2024-01-02.

Conditions:
LAMA2-related muscular dystrophy (LAMA2-RD). Also called: Laminin alpha 2-related dystrophy. Identifiers: MedGen C5679788, MONDO:0100228.

Allele frequency attached by ClinVar (database versions not stated): ExAC 0.00001; gnomAD 0.00002; gnomAD exomes 0.00002 and 0.00003; TOPMed 0.00004.
gnomAD v4.1: 39 of 1,612,192 alleles (0.0024%); highest among the groups gnomAD compares: Admixed American, 0.0067%; no homozygotes.

Submissions (3):

Mayo Clinic Laboratories, Mayo Clinic
Classification: Uncertain significance. Last evaluated: 2024-01-02. Review status: criteria provided, single submitter. Criteria: ACMG Guidelines, 2015. Collection method: clinical testing. Allele origin: germline. Observed: 1 variant allele.
Comment: PM2_moderate

Labcorp Genetics (formerly Invitae), Labcorp
Classification: Uncertain significance for LAMA2-related muscular dystrophy. Last evaluated: 2022-07-19. Review status: criteria provided, single submitter. Criteria: Invitae Variant Classification Sherloc (09022015). Collection method: clinical testing. Allele origin: germline.
Comment: This sequence change replaces threonine, which is neutral and polar, with methionine, which is neutral and non-polar, at codon 2475 of the LAMA2 protein (p.Thr2475Met). This variant is present in population databases (rs761500524, gnomAD 0.006%). This variant has not been reported in the literature in individuals affected with LAMA2-related conditions. ClinVar contains an entry for this variant (Variation ID: 543851). Advanced modeling of protein sequence and biophysical properties (such as structural, functional, and spatial information, amino acid conservation, physicochemical variation, residue mobility, and thermodynamic stability) performed at Invitae indicates that this missense variant is not expected to disrupt LAMA2 protein function. In summary, the available evidence is currently insufficient to determine the role of this variant in disease. Therefore, it has been classified as a Variant of Uncertain Significance.

Blueprint Genetics
Classification: Uncertain significance. Last evaluated: 2021-11-03. Review status: criteria provided, single submitter. Criteria: ACMG Guidelines, 2015. Collection method: clinical testing. Allele origin: germline.

Literature cited by the submitters: PubMed 33057194 (cited by Mayo Clinic Laboratories, Mayo Clinic); PubMed 35982159 (cited by Mayo Clinic Laboratories, Mayo Clinic).